The following is an entry in ClinVar:

NM_004247.4(EFTUD2):c.2562-2_2562-1del

Gene: EFTUD2 (elongation factor Tu GTP binding domain containing 2; minus strand). Cytogenetic location: 17q21.31.
Variant type: Deletion.
Coding change: c.2562-2_2562-1del on transcript NM_004247.4 (MANE Select); the canonical splice acceptor site of the intron before coding-DNA position 2562, 2 bases deleted (AG; older notation c.2562-2_2562-1delAG).
Molecular consequence: splice acceptor variant.
Genome position (GRCh38, 1-based): chr17:44,852,563-44,852,564, CT deleted on the plus strand (AG on the coding strand, the reverse complement: EFTUD2 is on the minus strand). VCF-style (leftmost placement, unchanged base first): chr17-44852562-CCT-C. GRCh37 (hg19) VCF-style: chr17-42929930-CCT-C.
Other names: c.2457-2_2457-1del (NM_001142605.2); c.2532-2_2532-1del (NM_001258354.2); c.2562-2_2562-1del (NM_001258353.2, NM_001258353.1); c.2562-2_2562-1delAG (NM_004247.3).
Identifiers: ClinVar variation 984919 (VCV000984919.16), dbSNP rs2050474390, ClinGen allele CA1139665638.
Genomic context (GRCh38, chr17:44,852,562, plus strand): 5'-AAAAGCTTTGATGGTGTACAGAGGGGAGCCTGGGATGGGTGCATCCTGAGTCACGTGCCC[CCT>C]GAGACAGAAAAACAAAGGCTGAGCCTCTAGTCAAACATAGGCCAAAAGCCAAGAAGCAAT-3'

ClinVar aggregate classification (germline): Pathogenic/Likely pathogenic. Review status: criteria provided, multiple submitters, no conflicts (2 of 4 stars). 8 submissions from 8 submitters: Pathogenic (6); Likely pathogenic (1). 1 of the submissions does not count toward it. Last evaluated 2026-01-01.

Conditions:
Mandibulofacial dysostosis-microcephaly syndrome (MFDGA). Also called: Mandibulofacial dysostosis, Guion-Almeida type; Growth and mental retardation, mandibulofacial dysostosis, microcephaly, and cleft palate. Identifiers: Orphanet 79113, MedGen C1864652, MONDO:0012516, OMIM 610536.

Submissions (8):

CeGaT Center for Human Genetics Tuebingen
Classification: Pathogenic. Last evaluated: 2026-01-01. Review status: criteria provided, single submitter. Criteria: CeGaT Center For Human Genetics Tuebingen Variant Classification Criteria Version 2. Collection method: clinical testing. Allele origin: germline. Affected: yes. Observed: 1 variant allele.
Comment: EFTUD2: PVS1, PM2, PS2:Moderate

Labcorp Genetics (formerly Invitae), Labcorp
Classification: Pathogenic. Last evaluated: 2025-04-12. Review status: criteria provided, single submitter. Criteria: Invitae Variant Classification Sherloc (09022015). Collection method: clinical testing. Allele origin: germline.
Comment: This sequence change affects a splice site in intron 25 of the EFTUD2 gene. It is expected to disrupt RNA splicing. Variants that disrupt the donor or acceptor splice site typically lead to a loss of protein function (PMID: 16199547), and loss-of-function variants in EFTUD2 are known to be pathogenic (PMID: 24999515, 26507355). This variant is not present in population databases (gnomAD no frequency). Disruption of this splice site has been observed in individuals with mandibulofacial dysostosis (PMID: 24470203). ClinVar contains an entry for this variant (Variation ID: 984919). Algorithms developed to predict the effect of sequence changes on RNA splicing suggest that this variant may disrupt the consensus splice site. For these reasons, this variant has been classified as Pathogenic.

Victorian Clinical Genetics Services, Murdoch Childrens Research Institute
Classification: Pathogenic for Mandibulofacial dysostosis-microcephaly syndrome. Last evaluated: 2024-09-21. Review status: criteria provided, single submitter. Criteria: ACMG Guidelines, 2015. Collection method: clinical testing. Allele origin: germline. Inheritance: Autosomal dominant inheritance. Affected: yes.
Comment: Based on the classification scheme VCGS_Germline_v1.3.4, this variant is classified as Pathogenic. Following criteria are met: 0102 - Loss of function is a known mechanism of disease in this gene and is associated with mandibulofacial dysostosis, Guion-Almeida type (MIM#610536). (I) 0107 - This gene is associated with autosomal dominant disease. (I) 0115 - Variants in this gene are known to have variable expressivity. Variable expressivity with variant transmission from parents with subclinical features has been reported (PMID: 33247512). (I) 0211 - Canonical splice site variant without proven consequence on splicing (no functional evidence available). (SP) 0251 - This variant is heterozygous. (I) 0301 - Variant is absent from gnomAD (both v2 and v3). (SP) 0505 - Abnormal splicing is predicted by in silico tools and affected nucleotide is highly conserved. (SP) 0703 - Other canonical splice variants comparable to the one identified in this case have moderate previous evidence for pathogenicity. c.2562_2del and C.2562-1G>A have been classified as pathogenic by clinical laboratories in ClinVar. (SP) 0801 - This variant has strong previous evidence of pathogenicity in unrelated individuals. This variant has been classified as likely pathogenic and pathogenic by clinical laboratories in ClinVar, and has been observed in one family and another unrelated individual with mandibulofacial dysostosis, Guion-Almeida type in the literature (PMID: 24470203). (SP) Legend: (SP) - Supporting pathogenic, (I) - Information, (SB) - Supporting benign

GeneDx
Classification: Pathogenic. Last evaluated: 2022-12-14. Review status: criteria provided, single submitter. Criteria: GeneDx Variant Classification Process June 2021. Collection method: clinical testing. Allele origin: germline. Affected: yes.
Comment: Reported in individuals with mandibulofacial dysostosis with microcephaly in published literature (Lehalle et al., 2014); Canonical splice site variant predicted to result in a null allele in a gene for which loss of function is a known mechanism of disease; Not observed at significant frequency in large population cohorts (gnomAD); This variant is associated with the following publications: (PMID: 24470203)

MGZ Medical Genetics Center
Classification: Likely pathogenic for Mandibulofacial dysostosis-microcephaly syndrome. Last evaluated: 2022-01-25. Review status: criteria provided, single submitter. Criteria: ACMG Guidelines, 2015. Collection method: clinical testing. Allele origin: germline. Affected: yes. Observed: 1 variant allele.
Comment: ACMG criteria applied: PVS1, PM2_SUP

Rady Children's Institute for Genomic Medicine, Rady Children's Hospital San Diego
Classification: Pathogenic for MANDIBULOFACIAL DYSOSTOSIS, GUION-ALMEIDA TYPE. Last evaluated: 2019-12-20. Review status: criteria provided, single submitter. Criteria: ACMG Guidelines, 2015. Collection method: clinical testing. Allele origin: germline. Affected: yes.
Comment: This variant affects the canonical splice acceptor site of intron 25 and is therefore predicted to interfere with splicing and result in loss of normal protein function. It is absent from the ExAC and gnomAD population databases and thus is presumed to be rare. Multiple splice prediction tools suggest this variant is likely to interfere with normal splicingAnalysis of the parental samples was negative for the variant, indicating this variant likely occurred as a de novo event. Based on the available evidence, the c.2562-2_2562-1del variant is classified as Pathogenic.

Clinical Genetics Service, Universitary Hospital 12 de Octubre
Classification: Pathogenic for Mandibulofacial dysostosis-microcephaly syndrome. Review status: criteria provided, single submitter. Criteria: ACMG Guidelines, 2015. Collection method: clinical testing. Allele origin: germline. Affected: yes.

Genomic Medicine Center of Excellence, King Faisal Specialist Hospital and Research Centre
Classification: Uncertain significance for Mandibulofacial dysostosis-microcephaly syndrome. Last evaluated: 2024-03-25. Review status: flagged submission. Criteria: ACMG Guidelines, 2015. Collection method: research. Allele origin: germline. Not counted in ClinVar's aggregate classification.
ClinVar note: Reason: Outlier claim with insufficient supporting evidence

Literature cited by the submitters: PubMed 16199547 (cited by Labcorp Genetics (formerly Invitae), Labcorp); PubMed 24999515 (cited by Labcorp Genetics (formerly Invitae), Labcorp); PubMed 26507355 (cited by Labcorp Genetics (formerly Invitae), Labcorp); PubMed 24470203 (cited by Labcorp Genetics (formerly Invitae), Labcorp and Victorian Clinical Genetics Services, Murdoch Childrens Research Institute); PubMed 33247512 (cited by Victorian Clinical Genetics Services, Murdoch Childrens Research Institute).